The following is an entry in ClinVar:

NM_005228.5(EGFR):c.2686G>A (p.Asp896Asn)

Gene: EGFR (epidermal growth factor receptor; plus strand). Cytogenetic location: 7p11.2.
Variant type: single nucleotide variant.
Coding change: c.2686G>A on transcript NM_005228.5 (MANE Select); coding-DNA position 2686, G replaced by A.
Protein change: p.Asp896Asn; replaces aspartic acid 896 with asparagine.
Molecular consequence: missense variant.
Genome position (GRCh38, 1-based): chr7:55,192,826, G>A. VCF-style: chr7-55192826-G-A. GRCh37 (hg19) VCF-style: chr7-55260519-G-A.
Other names: c.2551G>A, p.Asp851Asn (NM_001346897.2, NM_001346899.2); c.2686G>A, p.Asp896Asn (NM_001346898.2); c.2527G>A, p.Asp843Asn (NM_001346900.2); c.1885G>A, p.Asp629Asn (NM_001346941.2); short protein forms D843N, D851N, D896N, D629N.
Identifiers: ClinVar variation 2701410 (VCV002701410.3), dbSNP rs2128965590, ClinGen allele CA367580949.
Genomic context (GRCh38, chr7:55,192,826, plus strand): 5'-GTGCCTATCAAGTGGATGGCATTGGAATCAATTTTACACAGAATCTATACCCACCAGAGT[G>A]ATGTCTGGAGCTACGGTGAGTCATAATCCTGATGCTAATGAGTTTGTACTGAGGCCAAGC-3'
Protein context (NP_005219.2, residues 886-906): ILHRIYTHQS[Asp896Asn]VWSYGVTVWE

ClinVar aggregate classification (germline): Uncertain significance (1 of 4 stars; one submission).

Conditions:
EGFR-related lung cancer (EGFR). Identifiers: MedGen CN130014.

Submission:

Labcorp Genetics (formerly Invitae), Labcorp
Classification: Uncertain significance for EGFR-related lung cancer. Last evaluated: 2023-12-08. Review status: criteria provided, single submitter. Criteria: Invitae Variant Classification Sherloc (09022015). Collection method: clinical testing. Allele origin: germline.
Comment: This sequence change replaces aspartic acid, which is acidic and polar, with asparagine, which is neutral and polar, at codon 896 of the EGFR protein (p.Asp896Asn). This variant is not present in population databases (gnomAD no frequency). This variant has not been reported in the literature in individuals affected with EGFR-related conditions. Advanced modeling of protein sequence and biophysical properties (such as structural, functional, and spatial information, amino acid conservation, physicochemical variation, residue mobility, and thermodynamic stability) performed at Invitae indicates that this missense variant is expected to disrupt EGFR protein function with a positive predictive value of 80%. In summary, the available evidence is currently insufficient to determine the role of this variant in disease. Therefore, it has been classified as a Variant of Uncertain Significance.